The following is an entry in ClinVar:

NM_001202.6(BMP4):c.450C>G (p.Asn150Lys)

Gene: BMP4 (bone morphogenetic protein 4; minus strand). Cytogenetic location: 14q22.2.
Variant type: single nucleotide variant.
Coding change: c.450C>G on transcript NM_001202.6 (MANE Select); coding-DNA position 450, C replaced by G.
Protein change: p.Asn150Lys; replaces asparagine 150 with lysine.
Molecular consequence: missense variant.
Genome position (GRCh38, 1-based): chr14:53,950,809, G>C on the plus strand (C>G on the coding strand, the complement: BMP4 is on the minus strand). VCF-style: chr14-53950809-G-C. GRCh37 (hg19) VCF-style: chr14-54417527-G-C.
Other names: c.450C>G (NM_001202.5); c.591C>G, p.Asn197Lys (NM_001347912.1); c.261C>G, p.Asn87Lys (NM_001347913.2, NM_001347915.2, NM_001347917.1); c.450C>G, p.Asn150Lys (NM_001347914.2, NM_001347916.1, NM_130850.5 and 1 more transcripts); short protein forms N150K, N197K, N87K.
Identifiers: ClinVar variation 633667 (VCV000633667.4), dbSNP rs767216159, ClinGen allele CA7191734.
Genomic context (GRCh38, chr14:53,950,809, plus strand): 5'-ATCAGGGCCCTGGTCCACCTGCTCCCGGAAGAGCCGAAGCTCTGCAGAGGAGATCACCTC[G>C]TTCTCAGGGATGCTGCTGAGGTTAAAGAGGAAACGAAAAGCAGAGTTTTCACTGGTCCCT-3'
Protein context (NP_001193.2, residues 140-160): FLFNLSSIPE[Asn150Lys]EVISSAELRL

ClinVar aggregate classification (germline): Uncertain significance. Review status: criteria provided, multiple submitters, no conflicts (2 of 4 stars). 3 submissions from 3 submitters: Uncertain significance (2). 1 of the submissions does not count toward it. Last evaluated 2025-01-03.

Conditions:
BMP4-related disorder. Also called: BMP4-related condition.
Microphthalmia with brain and digit anomalies (MCOPS6). Also called: MICROPHTHALMIA AND PITUITARY ANOMALIES; Microphthalmia, syndromic 6. Identifiers: Orphanet 139471, MedGen C1864689, MONDO:0011936, OMIM 607932.
Orofacial cleft 11 (OFC11). Also called: Orofacial cleft 11; ofc11; CLEFT LIP WITH OR WITHOUT CLEFT PALATE, NONSYNDROMIC, 11. Identifiers: MedGen C2677434, MONDO:0010906, OMIM 600625.

Allele frequency attached by ClinVar (database versions not stated): TOPMed 0.00006.
gnomAD v4.1: 27 of 1,612,476 alleles (0.0017%); highest among the groups gnomAD compares: East Asian, 0.0045%; no homozygotes.

Submissions (3):

PreventionGenetics, part of Exact Sciences
Classification: Uncertain significance for BMP4-related condition. Last evaluated: 2025-01-03. Review status: criteria provided, single submitter. Criteria: ACMG Guidelines, 2015. Collection method: clinical testing. Allele origin: germline.
Comment: The BMP4 c.450C>G variant is predicted to result in the amino acid substitution p.Asn150Lys. This variant has been reported in the heterozygous and homozygous states in multiple individuals with variable, non-overlapping phenotypes including renal hypodysplasia, glaucoma, and otosclerosis (Weber et al. 2008. PubMed ID: 18305125; Ealy et al. 2014. PubMed ID: 24492129; Huang et al. 2015. PubMed ID: 26310487). This variant has also been reported in three individuals with dental anomalies including tooth agenesis, abnormal molar root morphology, and taurodontism (Kantaputra et al. 2022. PubMed ID: 35754005). However, to our knowledge, the p.Asn150Lys variant has not been reported in an individual with orofacial clefting. Further, in vitro studies are either inconclusive or insufficiently informative regarding a potential impact on protein function (Tabatabaeifar et al. 2009. PubMed ID: 19685083; Ealy et al. 2014. PubMed ID: 24492129). This variant is reported in 0.0027% of alleles in individuals of European (non-Finnish) descent in gnomAD. At this time, the clinical significance of this variant is uncertain due to the absence of conclusive functional and genetic evidence.

Labcorp Genetics (formerly Invitae), Labcorp
Classification: Uncertain significance for Microphthalmia with brain and digit anomalies; Orofacial cleft 11. Last evaluated: 2024-11-02. Review status: criteria provided, single submitter. Criteria: Invitae Variant Classification Sherloc (09022015). Collection method: clinical testing. Allele origin: germline.
Comment: This sequence change replaces asparagine, which is neutral and polar, with lysine, which is basic and polar, at codon 150 of the BMP4 protein (p.Asn150Lys). This variant is present in population databases (rs767216159, gnomAD 0.003%). This missense change has been observed in individual(s) with isolated dental anomalies (PMID: 35754005). ClinVar contains an entry for this variant (Variation ID: 633667). Invitae Evidence Modeling of protein sequence and biophysical properties (such as structural, functional, and spatial information, amino acid conservation, physicochemical variation, residue mobility, and thermodynamic stability) indicates that this missense variant is not expected to disrupt BMP4 protein function with a negative predictive value of 80%. Experimental studies have shown that this missense change affects BMP4 function (PMID: 19685083, 24492129). In summary, the available evidence is currently insufficient to determine the role of this variant in disease. Therefore, it has been classified as a Variant of Uncertain Significance.

Gharavi Laboratory, Columbia University
Classification: Uncertain significance. Last evaluated: 2018-09-16. Review status: no assertion criteria provided. Criteria: ACMG Guidelines, 2015. Collection method: research. Allele origin: germline. Affected: no. Not counted in ClinVar's aggregate classification.

Literature cited by the submitters: PubMed 35754005 (cited by Labcorp Genetics (formerly Invitae), Labcorp); PubMed 19685083 (cited by Labcorp Genetics (formerly Invitae), Labcorp); PubMed 24492129 (cited by Labcorp Genetics (formerly Invitae), Labcorp).